The following is an entry in ClinVar:

ClinVar aggregate classification (germline): Uncertain significance (1 of 4 stars; one submission).

Conditions:
SCAPER-related disorder. Also called: SCAPER-related condition.

gnomAD v4.1: 1 of 1,612,338 alleles (0.000062%); highest among the groups gnomAD compares: Admixed American, 0.0017%; no homozygotes.

Submission:

PreventionGenetics, part of Exact Sciences
Classification: Uncertain significance for SCAPER-related condition. Last evaluated: 2025-03-26. Review status: criteria provided, single submitter. Criteria: ACMG Guidelines, 2015. Collection method: clinical testing. Allele origin: germline.
Comment: The SCAPER c.3130G>A variant is predicted to result in the amino acid substitution p.Gly1044Arg. To our knowledge, this variant has not been reported in the literature. This variant is reported in 0.0029% of alleles in individuals of Latino descent in gnomAD. At this time, the clinical significance of this variant is uncertain due to the absence of conclusive functional and genetic evidence.

NM_020843.4(SCAPER):c.3112G>A (p.Gly1038Arg)

Genes: SCAPER (S-phase cyclin A associated protein in the ER; minus strand), LOC126862183 (BRD4-independent group 4 enhancer GRCh37_chr15:76726060-76727259; plus strand). Cytogenetic location: 15q24.3.
Variant type: single nucleotide variant.
Coding change: c.3112G>A on transcript NM_020843.4 (MANE Select); coding-DNA position 3112, G replaced by A.
Protein change: p.Gly1038Arg; replaces glycine 1038 with arginine.
Molecular consequence: missense variant. On other transcripts: non-coding transcript variant (1).
Genome position (GRCh38, 1-based): chr15:76,434,277, C>T on the plus strand (G>A on the coding strand, the complement: SCAPER is on the minus strand). VCF-style: chr15-76434277-C-T. GRCh37 (hg19) VCF-style: chr15-76726618-C-T.
Other names: c.2374G>A, p.Gly792Arg (NM_001145923.2); c.3130G>A, p.Gly1044Arg (NM_001353009.2); c.2710G>A, p.Gly904Arg (NM_001353010.2, NM_001353012.2); c.2728G>A, p.Gly910Arg (NM_001353011.2); short protein forms G1044R, G792R, G910R, G1038R, G904R.
Identifiers: ClinVar variation 4980045 (VCV004980045.1).